The following is an entry in ClinVar:

ClinVar aggregate classification (germline): Likely pathogenic (1 of 4 stars; one submission).

Submission:

GeneDx
Classification: Likely pathogenic. Last evaluated: 2015-11-20. Review status: criteria provided, single submitter. Criteria: GeneDx Variant Classification (06012015). Collection method: clinical testing. Allele origin: germline. Affected: yes.
Comment: Although the c.737-2 A>G variant has not been reported as a pathogenic variant or as a benign variant to our knowledge, it destroys the canonical splice acceptor site in intron 7 and is predicted to cause abnormal gene splicing. This variant is predicted to lead to either an abnormal message that is subject to nonsense-mediated mRNA decay, or to an abnormal protein product if the message is used for protein translation. Several other splice site variants in the FBN1 gene have been reported in HGMD in association with Marfan syndrome (Stenson et al., 2014). Furthermore, the c.737-2 A>G variant was not observed in approximately 6,500 individuals of European and African American ancestry in the NHLBI Exome Sequencing Project, indicating it is not a common benign variant in these populations.

NM_000138.5(FBN1):c.737-2A>G

Gene: FBN1 (fibrillin 1; minus strand). Cytogenetic location: 15q21.1.
Variant type: single nucleotide variant.
Coding change: c.737-2A>G on transcript NM_000138.5 (MANE Select); the canonical splice acceptor site of the intron before coding-DNA position 737, A replaced by G.
Molecular consequence: splice acceptor variant.
Genome position (GRCh38, 1-based): chr15:48,534,207, T>C on the plus strand (A>G on the coding strand, the complement: FBN1 is on the minus strand). VCF-style: chr15-48534207-T-C. GRCh37 (hg19) VCF-style: chr15-48826404-T-C.
Other names: c.737-2A>G (NM_001406716.1, NM_001406717.1).
Identifiers: ClinVar variation 430086 (VCV000430086.2), dbSNP rs1131691772, ClinGen allele CA392352921.
Genomic context (GRCh38, chr15:48,534,207, plus strand): 5'-AGTATTAATGCAATTTCCTCCCTGACAGAGCCCGGGGATGGCCTGGCATTCATCCACATC[T>C]GTCAGATTACAGAAGACAGAGAGAAAAAAAAAAAACTCATATGAAATTCATTGCAGAATA-3'